The following is an entry in ClinVar:

NM_001381902.1(SAGE1):c.32C>T (p.Pro11Leu)

Gene: SAGE1 (sarcoma antigen 1; plus strand). Cytogenetic location: Xq26.3.
Variant type: single nucleotide variant.
Coding change: c.32C>T on transcript NM_001381902.1 (MANE Select); coding-DNA position 32, C replaced by T.
Protein change: p.Pro11Leu; replaces proline 11 with leucine.
Molecular consequence: missense variant.
Genome position (GRCh38, 1-based): chrX:135,896,274, C>T. VCF-style: chrX-135896274-C-T. GRCh37 (hg19) VCF-style: chrX-134978433-C-T.
Other names: c.32C>T, p.Pro11Leu (NM_018666.3); short protein forms P11L.
Identifiers: ClinVar variation 3059017 (VCV003059017.2), dbSNP rs200108643, ClinGen allele CA10523783.

ClinVar aggregate classification (germline): Benign (0 of 4 stars; one submission).

Conditions:
SAGE1-related disorder. Also called: SAGE1-related condition.

Allele frequency attached by ClinVar (database versions not stated): gnomAD exomes 0.00023; gnomAD 0.00034; TOPMed 0.00055; 1000 Genomes Project 30x 0.00062; ExAC 0.00071; 1000 Genomes Project 0.00079.
gnomAD v4.1: 286 of 1,204,401 alleles (0.024%); highest among the groups gnomAD compares: East Asian, 0.83%; 2 homozygotes.

Submission:

PreventionGenetics, part of Exact Sciences
Classification: Benign for SAGE1-related condition. Last evaluated: 2019-04-16. Review status: no assertion criteria provided. Collection method: clinical testing. Allele origin: germline.
Comment: This variant is classified as benign based on ACMG/AMP sequence variant interpretation guidelines (Richards et al. 2015 PMID: 25741868, with internal and published modifications).